The following is an entry in ClinVar:

ClinVar aggregate classification (germline): Pathogenic/Likely pathogenic. Review status: criteria provided, multiple submitters, no conflicts (2 of 4 stars). 2 submissions from 2 submitters: Pathogenic (1); Likely pathogenic (1). Last evaluated 2024-01-06.

Conditions:
Retinitis pigmentosa 12 (RP12). Also called: RP WITH OR WITHOUT PPRPE; RP WITH OR WITHOUT PRESERVED PARAARTERIOLE RETINAL PIGMENT EPITHELIUM; RETINITIS PIGMENTOSA WITH OR WITHOUT PARAARTERIOLAR PRESERVATION OF RETINAL PIGMENT EPITHELIUM. Identifiers: Orphanet 791, MedGen C1838647, MONDO:0010818, OMIM 600105.
Leber congenital amaurosis 8 (LCA8). Identifiers: Orphanet 65, MedGen C3151202, MONDO:0013453, OMIM 613835.
Pigmented paravenous retinochoroidal atrophy. Identifiers: Orphanet 251295, MedGen C1868310, MONDO:0008246, OMIM 172870.

Allele frequency attached by ClinVar (database versions not stated): TOPMed below 0.00001; gnomAD 0.00001.
gnomAD v4.1: 1 of 1,613,748 alleles (0.000062%); highest among the groups gnomAD compares: African/African-American, 0.0013%; no homozygotes.

Submissions (2):

Fulgent Genetics
Classification: Likely pathogenic for Pigmented paravenous retinochoroidal atrophy; Retinitis pigmentosa 12; Leber congenital amaurosis 8. Last evaluated: 2024-01-06. Review status: criteria provided, single submitter. Criteria: ACMG Guidelines, 2015. Collection method: clinical testing. Allele origin: germline.

Labcorp Genetics (formerly Invitae), Labcorp
Classification: Pathogenic for Leber congenital amaurosis 8; Retinitis pigmentosa 12. Last evaluated: 2022-11-01. Review status: criteria provided, single submitter. Criteria: Invitae Variant Classification Sherloc (09022015). Collection method: clinical testing. Allele origin: germline.
Comment: For these reasons, this variant has been classified as Pathogenic. ClinVar contains an entry for this variant (Variation ID: 1432716). This variant has not been reported in the literature in individuals affected with CRB1-related conditions. This variant is not present in population databases (gnomAD no frequency). This sequence change creates a premature translational stop signal (p.Leu1140*) in the CRB1 gene. It is expected to result in an absent or disrupted protein product. Loss-of-function variants in CRB1 are known to be pathogenic (PMID: 10508521, 22065545, 23379534, 25412400, 26957898, 28041643, 29391521).

Literature cited by the submitters: PubMed 10508521 (cited by Labcorp Genetics (formerly Invitae), Labcorp); PubMed 22065545 (cited by Labcorp Genetics (formerly Invitae), Labcorp); PubMed 23379534 (cited by Labcorp Genetics (formerly Invitae), Labcorp); PubMed 25412400 (cited by Labcorp Genetics (formerly Invitae), Labcorp); PubMed 26957898 (cited by Labcorp Genetics (formerly Invitae), Labcorp); PubMed 28041643 (cited by Labcorp Genetics (formerly Invitae), Labcorp); PubMed 29391521 (cited by Labcorp Genetics (formerly Invitae), Labcorp).

NM_201253.3(CRB1):c.3419T>A (p.Leu1140Ter)

Gene: CRB1 (crumbs cell polarity complex component 1; plus strand). Cytogenetic location: 1q31.3.
Variant type: single nucleotide variant.
Coding change: c.3419T>A on transcript NM_201253.3 (MANE Select); coding-DNA position 3419, T replaced by A.
Protein change: p.Leu1140Ter; replaces leucine 1140 with a stop codon.
Molecular consequence: nonsense. On other transcripts: non-coding transcript variant (2), intron variant (1).
Genome position (GRCh38, 1-based): chr1:197,435,282, T>A. VCF-style: chr1-197435282-T-A. GRCh37 (hg19) VCF-style: chr1-197404412-T-A.
Other names: c.3083T>A, p.Leu1028Ter (NM_001193640.2); c.3347T>A, p.Leu1116Ter (NM_001257965.2); c.2129-318T>A (NM_001257966.2); short protein forms L1140*, L1116*, L1028*.
Identifiers: ClinVar variation 1432716 (VCV001432716.7), dbSNP rs1342970033, ClinGen allele CA344047724.